The following is an entry in ClinVar:

NM_004646.4(NPHS1):c.139del (p.Ala47fs)

Genes: KIRREL2 (kirre like nephrin family adhesion molecule 2; plus strand), NPHS1 (NPHS1 adhesion molecule, nephrin; minus strand). Cytogenetic location: 19q13.12.
Variant type: Deletion.
Coding change: c.139del on transcript NM_004646.4 (MANE Select); coding-DNA position 139, one base deleted (G; older notation c.139delG).
Protein change: p.Ala47fs; shifts the reading frame from alanine 47.
Molecular consequence: frameshift variant.
Genome position (GRCh38, 1-based): chr19:35,851,592, C deleted on the plus strand (G on the coding strand, the reverse complement: NPHS1 is on the minus strand); the first of 5 consecutive C bases (chr19:35,851,592-35,851,596); deleting any one gives the same sequence. VCF-style (leftmost placement, unchanged base first): chr19-35851591-GC-G. GRCh37 (hg19) VCF-style: chr19-36342493-GC-G.
Other names: c.139delG (NM_004646.3); short protein forms A47fs.
Identifiers: ClinVar variation 56440 (VCV000056440.28), dbSNP rs386833882, ClinGen allele CA250123.

ClinVar aggregate classification (germline): Pathogenic. Review status: criteria provided, multiple submitters, no conflicts (2 of 4 stars). 13 submissions from 13 submitters: Pathogenic (10). 3 of the submissions do not count toward it. Last evaluated 2026-01-28.

Conditions:
NPHS1-related disorder. Also called: NPHS1-related condition.
Infantile Nephrotic syndrome.
Nephrotic syndrome. Identifiers: MedGen C0027726, MONDO:0005377, HP:0000100.
Finnish congenital nephrotic syndrome (NPHS1). Also called: NEPHROTIC SYNDROME, TYPE 1. Identifiers: Orphanet 839, MedGen C0403399, MONDO:0009732, OMIM 256300.

Submissions (13):

Labcorp Genetics (formerly Invitae), Labcorp
Classification: Pathogenic. Last evaluated: 2026-01-28. Review status: criteria provided, single submitter. Criteria: Invitae Variant Classification Sherloc (09022015). Collection method: clinical testing. Allele origin: germline.
Comment: This sequence change creates a premature translational stop signal (p.Ala47Profs*81) in the NPHS1 gene. It is expected to result in an absent or disrupted protein product. Loss-of-function variants in NPHS1 are known to be pathogenic (PMID: 11317351, 11854170, 12039988). The frequency data for this variant in the population databases is considered unreliable, as metrics indicate poor data quality at this position in the gnomAD database. This premature translational stop signal has been observed in individual(s) with congenital nephrotic syndrome (PMID: 18503012, 30963316). ClinVar contains an entry for this variant (Variation ID: 56440). For these reasons, this variant has been classified as Pathogenic.

Natera, Inc.
Classification: Pathogenic for Finnish congenital nephrotic syndrome. Last evaluated: 2026-01-26. Review status: criteria provided, single submitter. Criteria: Natera Variant Classification Schema (03/2026). Collection method: clinical testing. Allele origin: germline.
Comment: The c.139delG variant in NPHS1 is a frameshift variant predicted to shift the reading frame beginning at codon 47 and leads to a stop codon 81 codons downstream. This variant is expected to result in nonsense mediated decay, truncation, or a dysfunctional protein product. This variant is rare in the general population with a frequency below the threshold expected for the associated phenotype(s). This variant has been observed in one or more individuals affected with the associated recessive disease, as either homozygous or compound heterozygous with a second variant (PMID: 20507940). Given the available evidence, this variant is classified as Pathogenic.

Fulgent Genetics
Classification: Pathogenic for Finnish congenital nephrotic syndrome. Last evaluated: 2024-03-11. Review status: criteria provided, single submitter. Criteria: ACMG Guidelines, 2015. Collection method: clinical testing. Allele origin: germline.

Rady Children's Institute for Genomic Medicine, Rady Children's Hospital San Diego
Classification: Pathogenic for NEPHROTIC SYNDROME, TYPE 1. Last evaluated: 2024-01-12. Review status: criteria provided, single submitter. Criteria: ACMG Guidelines, 2015. Collection method: clinical testing. Allele origin: germline. Affected: yes.
Comment: This frameshifting variant in exon 2 of 29 is predicted to result in loss of normal protein function through either protein truncation or nonsense-mediated mRNA decay. Loss-of-function variation in NPHS1 is an established mechanism of disease (PMID: 9915943). This variant has been previously reported as a heterozygous, compound heterozygous, and homozygous change in patients with nephrotic syndrome (PMID: 18503012, 29474669, 34859019, 29127259, 30655312, 30963316, 30295827, 32604935). The c.139del (p.Ala47ProfsTer81) variant is present in the heterozygous state in the gnomAD population database at a frequency of 0.001% (3/277638), and is absent in the homozygous state, thus is presumed to be rare. Based on the available evidence, c.139del (p.Ala47ProfsTer81) is classified as Pathogenic.

Blueprint Genetics
Classification: Pathogenic for NPHS1-related disorders. Last evaluated: 2024-01-11. Review status: criteria provided, single submitter. Criteria: ACMG Guidelines, 2015. Collection method: clinical testing. Allele origin: germline. Affected: yes. Observed: 2 variant alleles.

GeneDx
Classification: Pathogenic. Last evaluated: 2022-07-11. Review status: criteria provided, single submitter. Criteria: GeneDx Variant Classification Process June 2021. Collection method: clinical testing. Allele origin: germline. Affected: yes.
Comment: Frameshift variant predicted to result in protein truncation or nonsense-mediated decay in a gene for which loss-of-function is a known mechanism of disease; Not observed at significant frequency in large population cohorts (gnomAD); This variant is associated with the following publications: (PMID: 29127259, 18503012, 29474669, 30655312, 30963316, 30295827, 22584503, 20507940, 31589614, 32604935, 34859019)

UNC Molecular Genetics  Laboratory, University of North Carolina at Chapel Hill
Classification: Pathogenic for Nephrotic syndrome. Last evaluated: 2022-04-04. Review status: criteria provided, single submitter. Criteria: ACMG Guidelines, 2015. Collection method: clinical testing. Allele origin: germline. Affected: yes. Observed: 1 compound heterozygote.

Vasylyeva lab, Texas Tech University Health Sciences Center
Classification: Pathogenic for Infantile Nephrotic syndrome. Last evaluated: 2020-08-05. Review status: criteria provided, single submitter. Criteria: ACMG Guidelines, 2015. Collection method: clinical testing. Allele origin: unknown. Affected: yes.

Women's Health and Genetics/Laboratory Corporation of America, LabCorp
Classification: Pathogenic for Finnish congenital nephrotic syndrome. Last evaluated: 2016-07-21. Review status: criteria provided, single submitter. Criteria: LabCorp Variant Classification Summary - May 2015. Collection method: clinical testing. Allele origin: germline.
Comment: Variant summary: The NPHS1 c.139delG (p.Ala47Profs) variant results in a premature termination codon, predicted to cause a truncated or absent NPHS1 protein due to nonsense mediated decay, which are commonly known mechanisms for disease. The variant of interest was found in the large, broad control population, ExAC, with an allele frequency of 2/114206 (1/57103), which does not exceed the estimated maximal expected allele frequency for a pathogenic NPHS1 variant of 1/298. Multiple publications cite the variant in affected individuals as homozygotes and compound heterozygotes. In addition, a reputable clinical laboratory cites the variant as "likely pathogenic." Therefore, the variant of interest has been classified as Pathogenic.

Juno Genomics, Hangzhou Juno Genomics, Inc
Classification: Pathogenic for Finnish congenital nephrotic syndrome. Review status: criteria provided, single submitter. Criteria: ACMG Guidelines, 2015. Collection method: clinical testing. Allele origin: germline. Affected: yes.
Comment: Null variant in a gene where loss of function (LOF) is a known mechanism of disease.;Absent from controls (or at extremely low frequency if recessive) in Genome Aggregation Database, Exome Sequencing Project, 1000 Genomes Project, or Exome Aggregation Consortium.;For recessive disorders, detected in trans with a pathogenic variant.

Yale Center for Mendelian Genomics, Yale University
Classification: Likely pathogenic for Nephrotic syndrome. Last evaluated: 2017-11-10. Review status: no assertion criteria provided. Collection method: literature only. Allele origin: germline. Affected: yes. Observed: 1 compound heterozygote, 1 homozygote. Study: Yale Center for Mendelian Genomics. Not counted in ClinVar's aggregate classification.

Counsyl
Classification: Likely pathogenic for Finnish congenital nephrotic syndrome. Last evaluated: 2014-04-15. Review status: no assertion criteria provided. Collection method: literature only. Allele origin: unknown. Inheritance: Autosomal recessive inheritance. Not counted in ClinVar's aggregate classification.

Juha Muilu Group; Institute for Molecular Medicine Finland (FIMM)
Classification: Likely pathogenic for Finnish congenital nephrotic syndrome. Review status: no assertion criteria provided. Collection method: not provided. Allele origin: unknown. Not counted in ClinVar's aggregate classification.
Comment: FinDis database variant: This variant was not found or characterized by our laboratory, data were collected from public sources: see reference
ClinVar note: Converted during submission from probable-pathogenic to Likely pathogenic.

Literature cited by the submitters: PubMed 11317351 (cited by Labcorp Genetics (formerly Invitae), Labcorp and Vasylyeva lab, Texas Tech University Health Sciences Center); PubMed 11854170 (cited by Labcorp Genetics (formerly Invitae), Labcorp and Vasylyeva lab, Texas Tech University Health Sciences Center); PubMed 12039988 (cited by Labcorp Genetics (formerly Invitae), Labcorp and Vasylyeva lab, Texas Tech University Health Sciences Center); PubMed 18503012 (cited by 3 submitters); PubMed 30963316 (cited by Labcorp Genetics (formerly Invitae), Labcorp and Vasylyeva lab, Texas Tech University Health Sciences Center); PubMed 20507940 (cited by Natera, Inc. and Women's Health and Genetics/Laboratory Corporation of America, LabCorp); PubMed 29127259 (cited by Vasylyeva lab, Texas Tech University Health Sciences Center and Yale Center for Mendelian Genomics, Yale University); PubMed 22584503 (cited by Counsyl).